The following is an entry in ClinVar:

ClinVar aggregate classification (germline): Likely benign (0 of 4 stars; one submission).

Conditions:
RAD51D-related disorder. Also called: RAD51D-related condition.

Allele frequency attached by ClinVar (database versions not stated): gnomAD 0.00002; TOPMed 0.00003; ExAC 0.00008; 1000 Genomes Project 30x 0.00016; 1000 Genomes Project 0.00020.

Submission:

PreventionGenetics, part of Exact Sciences
Classification: Likely benign for RAD51D-related condition. Last evaluated: 2019-06-11. Review status: no assertion criteria provided. Collection method: clinical testing. Allele origin: germline.
Comment: This variant is classified as likely benign based on ACMG/AMP sequence variant interpretation guidelines (Richards et al. 2015 PMID: 25741868, with internal and published modifications).

NM_002878.4(RAD51D):c.263+1475G>A

Genes: RAD51D (RAD51 paralog D; minus strand), RAD51L3-RFFL (RAD51L3-RFFL readthrough; minus strand). Cytogenetic location: 17q12.
Variant type: single nucleotide variant.
Coding change: c.263+1475G>A on transcript NM_002878.4 (MANE Select); 1475 bases into the intron after coding-DNA position 263, G replaced by A.
Molecular consequence: intron variant. On other transcripts: synonymous variant (1).
Genome position (GRCh38, 1-based): chr17:35,117,026, C>T on the plus strand (G>A on the coding strand, the complement: RAD51D is on the minus strand). VCF-style: chr17-35117026-C-T. GRCh37 (hg19) VCF-style: chr17-33444045-C-T.
Other names: c.156G>A, p.Ala52= (NM_001142571.2); c.144+2085G>A (NM_133629.3).
Identifiers: ClinVar variation 3034391 (VCV003034391.2), dbSNP rs141188943, ClinGen allele CA8499597.